The following is an entry in ClinVar:

NM_001854.4(COL11A1):c.1180A>G (p.Thr394Ala)

Gene: COL11A1 (collagen type XI alpha 1 chain; minus strand). Cytogenetic location: 1p21.1.
Variant type: single nucleotide variant.
Coding change: c.1180A>G on transcript NM_001854.4 (MANE Select); coding-DNA position 1180, A replaced by G.
Protein change: p.Thr394Ala; replaces threonine 394 with alanine.
Molecular consequence: missense variant. On other transcripts: non-coding transcript variant (1), intron variant (1).
Genome position (GRCh38, 1-based): chr1:103,022,807, T>C on the plus strand (A>G on the coding strand, the complement: COL11A1 is on the minus strand). VCF-style: chr1-103022807-T-C. GRCh37 (hg19) VCF-style: chr1-103488363-T-C.
Other names: c.1063A>G, p.Thr355Ala (NM_001190709.2); c.1216A>G, p.Thr406Ala (NM_080629.3); c.898-1038A>G (NM_080630.4); short protein forms T406A, T394A, T355A.
Identifiers: ClinVar variation 291537 (VCV000291537.11), dbSNP rs538837278, ClinGen allele CA975103.

ClinVar aggregate classification (germline): Conflicting classifications of pathogenicity. Review status: criteria provided, conflicting classifications (1 of 4 stars). 4 submissions from 3 submitters: Uncertain significance (3); Benign (1). Last evaluated 2025-06-10.

Conditions:
Stickler syndrome type 2 (STL2). Also called: STICKLER SYNDROME, TYPE II; STICKLER SYNDROME, BEADED VITREOUS TYPE; STICKLER SYNDROME, VITREOUS TYPE 2; COL11A1-Related Stickler Syndrome. Identifiers: Orphanet 828, Orphanet 90654, MedGen C1858084, MONDO:0011493, OMIM 604841.
Fibrochondrogenesis 1 (FBCG1). Identifiers: Orphanet 2021, MedGen C3278138, MONDO:0009226, OMIM 228520.

Allele frequency attached by ClinVar (database versions not stated): gnomAD exomes below 0.00001 and 0.00002; TOPMed below 0.00001; gnomAD 0.00001; ExAC 0.00002; 1000 Genomes Project 30x 0.00016; 1000 Genomes Project 0.00020.
gnomAD v4.1: 7 of 1,613,766 alleles (0.00043%); highest among the groups gnomAD compares: Admixed American, 0.005%; no homozygotes.

Submissions (4):

GeneDx
Classification: Uncertain significance. Last evaluated: 2025-06-10. Review status: criteria provided, single submitter. Criteria: GeneDx Variant Classification Process June 2021. Collection method: clinical testing. Allele origin: germline. Affected: yes.
Comment: Not observed at significant frequency in large population cohorts (gnomAD); In silico analysis suggests that this missense variant does not alter protein structure/function; Has not been previously published as pathogenic or benign to our knowledge; Not located in the triple helical region, where the majority of pathogenic missense variants occur (HGMD; PMID: 25240749); This variant is associated with the following publications: (PMID: 25240749)

Labcorp Genetics (formerly Invitae), Labcorp
Classification: Benign. Last evaluated: 2025-02-10. Review status: criteria provided, single submitter. Criteria: Invitae Variant Classification Sherloc (09022015). Collection method: clinical testing. Allele origin: germline.

Illumina Laboratory Services, Illumina
Classification: Uncertain significance for Stickler syndrome type 2. Last evaluated: 2018-01-12. Review status: criteria provided, single submitter. Criteria: ICSL Variant Classification Criteria 13 December 2019. Collection method: clinical testing. Allele origin: germline.

Illumina Laboratory Services, Illumina
Classification: Uncertain significance for Fibrochondrogenesis 1. Last evaluated: 2018-01-12. Review status: criteria provided, single submitter. Criteria: ICSL Variant Classification Criteria 13 December 2019. Collection method: clinical testing. Allele origin: germline.